The following is an entry in ClinVar:

NM_152564.5(VPS13B):c.10333G>A (p.Val3445Ile)

Gene: VPS13B (vacuolar protein sorting 13 homolog B; plus strand). Cytogenetic location: 8q22.2.
Variant type: single nucleotide variant.
Coding change: c.10333G>A on transcript NM_152564.5 (MANE Select); coding-DNA position 10333, G replaced by A.
Protein change: p.Val3445Ile; replaces valine 3445 with isoleucine.
Molecular consequence: missense variant.
Genome position (GRCh38, 1-based): chr8:99,853,722, G>A. VCF-style: chr8-99853722-G-A. GRCh37 (hg19) VCF-style: chr8-100865950-G-A.
Other names: c.10408G>A, p.Val3470Ile (NM_017890.5); short protein forms V3445I, V3470I.
Identifiers: ClinVar variation 4997721 (VCV004997721.1).

ClinVar aggregate classification (germline): Uncertain significance (1 of 4 stars; one submission).

Conditions:
VPS13B-related disorder. Also called: VPS13B-related condition.

gnomAD v4.1: 1 of 1,614,216 alleles (0.000062%); highest among the groups gnomAD compares: Non-Finnish European, 0.000085%; no homozygotes.

Submission:

PreventionGenetics, part of Exact Sciences
Classification: Uncertain significance for VPS13B-related condition. Last evaluated: 2024-11-09. Review status: criteria provided, single submitter. Criteria: ACMG Guidelines, 2015. Collection method: clinical testing. Allele origin: germline.
Comment: The VPS13B c.10333G>A variant is predicted to result in the amino acid substitution p.Val3445Ile. To our knowledge, this variant has not been reported in the literature or in a large population database (gnomAD), indicating this variant is rare. At this time, the clinical significance of this variant is uncertain due to the absence of conclusive functional and genetic evidence.